The following is an entry in ClinVar:

NM_004415.4(DSP):c.867C>A (p.Cys289Ter)

Gene: DSP (desmoplakin; plus strand). Cytogenetic location: 6p24.3.
Variant type: single nucleotide variant.
Coding change: c.867C>A on transcript NM_004415.4 (MANE Select); coding-DNA position 867, C replaced by A.
Protein change: p.Cys289Ter; replaces cysteine 289 with a stop codon.
Molecular consequence: nonsense.
Genome position (GRCh38, 1-based): chr6:7,565,448, C>A. VCF-style: chr6-7565448-C-A. GRCh37 (hg19) VCF-style: chr6-7565681-C-A.
Other names: c.867C>A, p.Cys289Ter (NM_001008844.3, NM_001319034.2); short protein forms C289*.
Identifiers: ClinVar variation 44978 (VCV000044978.7), dbSNP rs397516973, ClinGen allele CA007784.

ClinVar aggregate classification (germline): Pathogenic/Likely pathogenic. Review status: criteria provided, multiple submitters, no conflicts (2 of 4 stars). 2 submissions from 2 submitters: Pathogenic (1); Likely pathogenic (1). Last evaluated 2024-03-21.

Conditions:
Arrhythmogenic cardiomyopathy with wooly hair and keratoderma. Also called: Dilated cardiomyopathy with woolly hair and keratoderma; Arrhythmogenic cardiomyopathy with woolly hair and keratoderma; PALMOPLANTAR KERATODERMA WITH LEFT VENTRICULAR CARDIOMYOPATHY AND WOOLLY HAIR; Carvajal syndrome. Identifiers: Orphanet 65282, MedGen C1854063, MONDO:0011581, OMIM 605676.
Arrhythmogenic right ventricular dysplasia 8 (ARVD8). Also called: Arrhythmogenic Right Ventricular Dysplasia/Cardiomyopathy 8; ARRHYTHMOGENIC RIGHT VENTRICULAR DYSPLASIA, FAMILIAL, 8; ARRHYTHMOGENIC RIGHT VENTRICULAR CARDIOMYOPATHY 8. Identifiers: MedGen C1843896, MONDO:0011831, OMIM 607450.
Primary dilated cardiomyopathy (DCM). Also called: Dilated Cardiomyopathy. Identifiers: Orphanet 217604, MedGen C0007193, MeSH D002311, MONDO:0005021, HP:0001644. Inheritance: Various modes of inheritance.

Submissions (2):

Labcorp Genetics (formerly Invitae), Labcorp
Classification: Pathogenic for Arrhythmogenic cardiomyopathy with wooly hair and keratoderma; Arrhythmogenic right ventricular dysplasia 8. Last evaluated: 2024-03-21. Review status: criteria provided, single submitter. Criteria: Invitae Variant Classification Sherloc (09022015). Collection method: clinical testing. Allele origin: germline.
Comment: This sequence change creates a premature translational stop signal (p.Cys289*) in the DSP gene. It is expected to result in an absent or disrupted protein product. Loss-of-function variants in DSP are known to be pathogenic (PMID: 20716751, 24503780, 25227139). This variant is not present in population databases (gnomAD no frequency). This premature translational stop signal has been observed in individual(s) with DSP-related conditions (PMID: 25936878). ClinVar contains an entry for this variant (Variation ID: 44978). For these reasons, this variant has been classified as Pathogenic.

Laboratory for Molecular Medicine, Mass General Brigham Personalized Medicine
Classification: Likely pathogenic for Primary dilated cardiomyopathy. Last evaluated: 2014-12-01. Review status: criteria provided, single submitter. Criteria: LMM Criteria. Collection method: clinical testing. Allele origin: germline. Inheritance: Autosomal dominant inheritance. Observed: 1 variant allele.
Comment: proposed classification - variant undergoing re-assessment, contact laboratory

Literature cited by the submitters: PubMed 20716751 (cited by Labcorp Genetics (formerly Invitae), Labcorp); PubMed 24503780 (cited by Labcorp Genetics (formerly Invitae), Labcorp); PubMed 25227139 (cited by Labcorp Genetics (formerly Invitae), Labcorp); PubMed 25936878 (cited by Labcorp Genetics (formerly Invitae), Labcorp); PubMed 16917092 (cited by Laboratory for Molecular Medicine, Mass General Brigham Personalized Medicine).